The following is an entry in ClinVar:

ClinVar aggregate classification (germline): Uncertain significance (1 of 4 stars; one submission).

Conditions:
PLXNA4-related disorder. Also called: PLXNA4-related condition.

gnomAD v4.1: 2 of 1,614,210 alleles (0.00012%); highest among the groups gnomAD compares: South Asian, 0.0011%; no homozygotes.

Submission:

PreventionGenetics, part of Exact Sciences
Classification: Uncertain significance for PLXNA4-related condition. Last evaluated: 2025-03-05. Review status: criteria provided, single submitter. Criteria: ACMG Guidelines, 2015. Collection method: clinical testing. Allele origin: germline.
Comment: The PLXNA4 c.3958T>C variant is predicted to result in the amino acid substitution p.Tyr1320His. To our knowledge, this variant has not been reported in the literature or in a large population database (gnomAD), indicating this variant is rare. At this time, the clinical significance of this variant is uncertain due to the absence of conclusive functional and genetic evidence.

NM_020911.2(PLXNA4):c.3958T>C (p.Tyr1320His)

Gene: PLXNA4 (plexin A4; minus strand). Cytogenetic location: 7q32.3.
Variant type: single nucleotide variant.
Coding change: c.3958T>C on transcript NM_020911.2 (MANE Select); coding-DNA position 3958, T replaced by C.
Protein change: p.Tyr1320His; replaces tyrosine 1320 with histidine.
Molecular consequence: missense variant.
Genome position (GRCh38, 1-based): chr7:132,174,837, A>G on the plus strand (T>C on the coding strand, the complement: PLXNA4 is on the minus strand). VCF-style: chr7-132174837-A-G. GRCh37 (hg19) VCF-style: chr7-131859596-A-G.
Other names: c.3958T>C, p.Tyr1320His (NM_001393897.1); short protein forms Y1320H.
Identifiers: ClinVar variation 4999883 (VCV004999883.1).